The following is an entry in ClinVar:

ClinVar aggregate classification (germline): Uncertain significance (1 of 4 stars; one submission).

Allele frequency attached by ClinVar (database versions not stated): TOPMed below 0.00001.
gnomAD v4.1: 1 of 1,614,174 alleles (0.000062%); no homozygotes.

Submission:

Labcorp Genetics (formerly Invitae), Labcorp
Classification: Uncertain significance. Last evaluated: 2020-09-18. Review status: criteria provided, single submitter. Criteria: Invitae Variant Classification Sherloc (09022015). Collection method: clinical testing. Allele origin: germline.
Comment: In summary, the available evidence is currently insufficient to determine the role of this variant in disease. Therefore, it has been classified as a Variant of Uncertain Significance. Algorithms developed to predict the effect of missense changes on protein structure and function (SIFT, PolyPhen-2, Align-GVGD) all suggest that this variant is likely to be tolerated, but these predictions have not been confirmed by published functional studies and their clinical significance is uncertain. This variant has not been reported in the literature in individuals with KCNJ13-related conditions. This variant is not present in population databases (ExAC no frequency). This sequence change replaces valine with alanine at codon 322 of the KCNJ13 protein (p.Val322Ala). The valine residue is weakly conserved and there is a small physicochemical difference between valine and alanine.

NM_002242.4(KCNJ13):c.965T>C (p.Val322Ala)

Genes: GIGYF2 (GRB10 interacting GYF protein 2; plus strand), KCNJ13 (potassium inwardly rectifying channel subfamily J member 13; minus strand). Cytogenetic location: 2q37.1.
Variant type: single nucleotide variant.
Coding change: c.965T>C on transcript NM_002242.4 (MANE Select); coding-DNA position 965, T replaced by C.
Protein change: p.Val322Ala; replaces valine 322 with alanine.
Molecular consequence: missense variant. On other transcripts: 3 prime UTR variant (1), intron variant (4).
Genome position (GRCh38, 1-based): chr2:232,768,309, A>G on the plus strand (T>C on the coding strand, the complement: KCNJ13 is on the minus strand). VCF-style: chr2-232768309-A-G. GRCh37 (hg19) VCF-style: chr2-233633019-A-G.
Other names: c.*444T>C (NM_001172416.1); c.725T>C, p.Val242Ala (NM_001172417.1); c.532+6873A>G (NM_001103146.3, NM_015575.4, NM_001103147.2 and 1 more transcripts); short protein forms V242A, V322A.
Identifiers: ClinVar variation 1025652 (VCV001025652.8), dbSNP rs1699061638, ClinGen allele CA351007603.
Genomic context (GRCh38, chr2:232,768,309, plus strand): 5'-TGGATATCCAGGTCAGTCCTGTTTGGGCTTTTAGAAACCAGAGGAGTTGGAAATTCAGGG[A>G]CAGTCTTGTCAAAATTCTCCATCTTGATTTGATATTCACCTTTGGAACCTCGGGTCAACA-3'
Protein context (NP_002233.2, residues 312-332): QIKMENFDKT[Val322Ala]PEFPTPLVSK